The following is an entry in ClinVar:

NM_001918.5(DBT):c.260AAG[1] (p.Glu88del)

Gene: DBT (dihydrolipoamide branched chain transacylase E2; minus strand). Cytogenetic location: 1p21.2.
Variant type: Microsatellite.
Coding change: c.260AAG[1] on transcript NM_001918.5 (MANE Select); one copy of the 3-base unit AAG starting at c.260; the reference has two copies in a row; one copy, 3 bases deleted; also written c.263_265del.
Protein change: p.Glu88del; deletes glutamic acid 88.
Molecular consequence: inframe deletion.
Genome position (GRCh38, 1-based): chr1:100,230,901-100,230,903, CTT deleted on the plus strand (AAG on the coding strand, the reverse complement: DBT is on the minus strand); deleting any 3 consecutive bases within chr1:100,230,901-100,230,906 gives the same sequence; the position shown is the placement nearest the transcript's 3' end. VCF-style (leftmost placement, unchanged base first): chr1-100230900-CCTT-C. GRCh37 (hg19) VCF-style: chr1-100696456-CCTT-C.
Other names: c.263_265del (NM_001918.2); short protein forms E88del.
Identifiers: ClinVar variation 527136 (VCV000527136.16), dbSNP rs1217050849, ClinGen allele CA525177189.

ClinVar aggregate classification (germline): Conflicting classifications of pathogenicity. Review status: criteria provided, conflicting classifications (1 of 4 stars). 6 submissions from 6 submitters: Pathogenic (1); Likely pathogenic (3); Uncertain significance (1). 1 of the submissions does not count toward it. Last evaluated 2026-10-21.

Conditions:
Maple syrup urine disease type 1A (MSUD1A). Also called: MSUD type 1A. Identifiers: MedGen C1855369, MONDO:0023691, OMIM 248600.
Maple syrup urine disease (MSUD). Identifiers: Orphanet 511, MedGen C0024776, MeSH D008375, MONDO:0009563. Disease mechanism: loss of function.
Maple syrup urine disease type 2 (MSUD2). Also called: Maple syrup urine disease, type II. Identifiers: MedGen C1855371, MONDO:0023693, OMIM 620699.

Submissions (6):

GeneDx
Classification: Likely pathogenic. Last evaluated: 2026-10-21. Review status: criteria provided, single submitter. Criteria: GeneDx Variant Classification Process June 2021. Collection method: clinical testing. Allele origin: germline.
Comment: Not observed at significant frequency in large population cohorts (gnomAD); In silico analysis supports a deleterious effect on protein structure/function; In-frame deletion of 1 amino acid in a non-repeat region; This variant is associated with the following publications: (PMID: 32515140, 32778825, 14742428, 1943690, 39519275)

Myriad Genetics, Inc.
Classification: Uncertain significance for Maple syrup urine disease type 2. Last evaluated: 2026-01-26. Review status: criteria provided, single submitter. Criteria: Myriad Autosomal Dominant, Autosomal Recessive and X-Linked Classification Criteria (2023). Collection method: clinical testing. Allele origin: unknown.
Comment: NM_001918.3(DBT):c.263_265delAAG(E88del) is an in-frame deletion classified as a variant of uncertain significance in the context of maple syrup urine disease type II. E88del has been observed in cases with relevant disease (PMID: 14742428, 32515140, 32778825). Relevant functional assessments of this variant are not available in the literature. E88del has been observed in referenced population frequency databases. In summary, there is insufficient evidence to classify NM_001918.3(DBT):c.263_265delAAG(E88del) as pathogenic or benign. Please note: this variant was assessed in the context of healthy population screening.

Labcorp Genetics (formerly Invitae), Labcorp
Classification: Pathogenic for Maple syrup urine disease. Last evaluated: 2025-02-04. Review status: criteria provided, single submitter. Criteria: Invitae Variant Classification Sherloc (09022015). Collection method: clinical testing. Allele origin: germline.
Comment: This variant, c.263_265del, results in the deletion of 1 amino acid(s) of the DBT protein (p.Glu88del), but otherwise preserves the integrity of the reading frame. This variant is present in population databases (no rsID available, gnomAD 0.003%). This variant has been observed in individual(s) with maple syrup urine disease (PMID: 32515140; internal data). Experimental studies and prediction algorithms are not available or were not evaluated, and the functional significance of this variant is currently unknown. For these reasons, this variant has been classified as Pathogenic.

Women's Health and Genetics/Laboratory Corporation of America, LabCorp
Classification: Likely pathogenic for Maple syrup urine disease. Last evaluated: 2023-09-21. Review status: criteria provided, single submitter. Criteria: LabCorp Variant Classification Summary - May 2015. Collection method: clinical testing. Allele origin: germline.
Comment: Variant summary: DBT c.263_265delAAG (p.Glu88del) results in an in-frame deletion that is predicted to remove one amino acid from the encoded protein. This residue is reported as highly conserved among species (Nguyen_2020). The variant allele was found at a frequency of 4e-06 in 250960 control chromosomes (gnmAD). c.263_265delAAG has been reported in the literature as a homozygous genotype in at-least in one individual affected with Maple Syrup Urine Disease (example, Nguyen_2020). These data indicate that the variant may be associated with disease. To our knowledge, no experimental evidence demonstrating an impact on protein function has been reported. The following publications have been ascertained in the context of this evaluation (PMID: 32778825, 32515140). Two submitters have cited clinical-significance assessments for this variant to ClinVar after 2014. One submitter classified the variant as likely pathogenic, and one submitter classified the variant as uncertain significance. Based on the evidence outlined above, the variant was classified as likely pathogenic.

3billion
Classification: Likely pathogenic for Maple syrup urine disease type 1A. Last evaluated: 2023-09-06. Review status: criteria provided, single submitter. Criteria: ACMG Guidelines, 2015. Collection method: clinical testing. Allele origin: germline. Affected: yes.
Comment: The variant is observed at an extremely low frequency in the gnomAD v2.1.1 dataset (total allele frequency: 0.000%). Predicted Consequence/Location: Inframe deletion located in a nonrepeat region: predicted to change the length of the protein and disrupt normal protein function. The variant has been reported to be in trans with a pathogenic variant as either compound heterozygous or homozygous in at least one similarly affected unrelated individual (PMID: 32515140).The variant has been reported to be associated with DBT related disorder (ClinVar ID: VCV000527136 /PMID: 32515140). Therefore, this variant is classified as Likely pathogenic according to the recommendation of ACMG/AMP guideline.

Counsyl
Classification: Uncertain significance for Maple syrup urine disease type 1A. Last evaluated: 2017-02-23. Review status: no assertion criteria provided. Collection method: clinical testing. Allele origin: unknown. Not counted in ClinVar's aggregate classification.

Literature cited by the submitters: PubMed 14742428 (cited by Myriad Genetics, Inc.); PubMed 32515140 (cited by 4 submitters); PubMed 32778825 (cited by Myriad Genetics, Inc. and Women's Health and Genetics/Laboratory Corporation of America, LabCorp).